The following is an entry in ClinVar:

ClinVar aggregate classification (germline): Pathogenic (1 of 4 stars; one submission).

Allele frequency attached by ClinVar (database versions not stated): ExAC 0.00001; TOPMed 0.00001; gnomAD exomes 0.00002.
gnomAD v4.1: 23 of 1,614,200 alleles (0.0014%); highest among the groups gnomAD compares: Non-Finnish European, 0.0018%; no homozygotes.

Submission:

Labcorp Genetics (formerly Invitae), Labcorp
Classification: Pathogenic. Last evaluated: 2023-03-27. Review status: criteria provided, single submitter. Criteria: Invitae Variant Classification Sherloc (09022015). Collection method: clinical testing. Allele origin: germline.
Comment: This sequence change creates a premature translational stop signal (p.Lys87*) in the MARVELD2 gene. It is expected to result in an absent or disrupted protein product. Loss-of-function variants in MARVELD2 are known to be pathogenic (PMID: 17186462). For these reasons, this variant has been classified as Pathogenic. ClinVar contains an entry for this variant (Variation ID: 1446607). This variant has not been reported in the literature in individuals affected with MARVELD2-related conditions. This variant is present in population databases (rs776953681, gnomAD 0.004%).

Literature cited by the submitters: PubMed 17186462.

NM_001038603.3(MARVELD2):c.259A>T (p.Lys87Ter)

Gene: MARVELD2 (MARVEL domain containing 2; plus strand). Cytogenetic location: 5q13.2.
Variant type: single nucleotide variant.
Coding change: c.259A>T on transcript NM_001038603.3 (MANE Select); coding-DNA position 259, A replaced by T.
Protein change: p.Lys87Ter; replaces lysine 87 with a stop codon.
Molecular consequence: nonsense.
Genome position (GRCh38, 1-based): chr5:69,419,644, A>T. VCF-style: chr5-69419644-A-T. GRCh37 (hg19) VCF-style: chr5-68715471-A-T.
Other names: c.259A>T, p.Lys87Ter (NM_001244734.2); short protein forms K87*.
Identifiers: ClinVar variation 1446607 (VCV001446607.6), dbSNP rs776953681, ClinGen allele CA3294005.